The following is an entry in ClinVar:

ClinVar aggregate classification (germline): Likely benign (1 of 4 stars; one submission).

Submission:

CeGaT Center for Human Genetics Tuebingen
Classification: Likely benign. Last evaluated: 2026-08-01. Review status: criteria provided, single submitter. Criteria: CeGaT Center For Human Genetics Tuebingen Variant Classification Criteria Version 2. Collection method: clinical testing. Allele origin: germline. Affected: yes. Observed: 1 variant allele.
Comment: MORC2: PM2:Supporting, BP4, BP7

NM_001303256.3(MORC2):c.174T>C (p.Leu58=)

Gene: MORC2 (MORC family CW-type zinc finger 2; minus strand). Cytogenetic location: 22q12.2.
Variant type: single nucleotide variant.
Coding change: c.174T>C on transcript NM_001303256.3 (MANE Select); coding-DNA position 174, T replaced by C.
Protein change: p.Leu58=; no amino-acid change (leucine 58 retained).
Molecular consequence: synonymous variant. On other transcripts: 5 prime UTR variant (1).
Genome position (GRCh38, 1-based): chr22:30,950,429, A>G on the plus strand (T>C on the coding strand, the complement: MORC2 is on the minus strand). VCF-style: chr22-30950429-A-G. GRCh37 (hg19) VCF-style: chr22-31346415-A-G.
Other names: c.174T>C, p.Leu58= (NM_001303257.2); c.-13T>C (NM_014941.3).
Identifiers: ClinVar variation 5040634 (VCV005040634.1).